The following is an entry in ClinVar:

NM_015295.3(SMCHD1):c.4444G>A (p.Glu1482Lys)

Gene: SMCHD1 (structural maintenance of chromosomes flexible hinge domain containing 1; plus strand). Cytogenetic location: 18p11.32.
Variant type: single nucleotide variant.
Coding change: c.4444G>A on transcript NM_015295.3 (MANE Select); coding-DNA position 4444, G replaced by A.
Protein change: p.Glu1482Lys; replaces glutamic acid 1482 with lysine.
Molecular consequence: missense variant.
Genome position (GRCh38, 1-based): chr18:2,762,114, G>A. VCF-style: chr18-2762114-G-A. GRCh37 (hg19) VCF-style: chr18-2762112-G-A.
Other names: short protein forms E1482K.
Identifiers: ClinVar variation 3678528 (VCV003678528.2).

ClinVar aggregate classification (germline): Uncertain significance (1 of 4 stars; one submission).

Conditions:
Facioscapulohumeral muscular dystrophy 2 (FSHD2). Also called: MUSCULAR DYSTROPHY, FACIOSCAPULOHUMERAL, TYPE 1B; FACIOSCAPULOHUMERAL MUSCULAR DYSTROPHY 2, DIGENIC; FSHD2, DIGENIC. Identifiers: Orphanet 269, MedGen C1834671, MONDO:0008031, OMIM 158901.

gnomAD v4.1: 1 of 1,613,040 alleles (0.000062%); highest among the groups gnomAD compares: Non-Finnish European, 0.000085%; no homozygotes.

Submission:

Labcorp Genetics (formerly Invitae), Labcorp
Classification: Uncertain significance for Facioscapulohumeral muscular dystrophy 2. Last evaluated: 2024-11-11. Review status: criteria provided, single submitter. Criteria: Invitae Variant Classification Sherloc (09022015). Collection method: clinical testing. Allele origin: germline.
Comment: This sequence change replaces glutamic acid, which is acidic and polar, with lysine, which is basic and polar, at codon 1482 of the SMCHD1 protein (p.Glu1482Lys). This variant is present in population databases (rs371345729, gnomAD 0.0009%). This variant has not been reported in the literature in individuals affected with SMCHD1-related conditions. Invitae Evidence Modeling of protein sequence and biophysical properties (such as structural, functional, and spatial information, amino acid conservation, physicochemical variation, residue mobility, and thermodynamic stability) indicates that this missense variant is not expected to disrupt SMCHD1 protein function with a negative predictive value of 80%. In summary, the available evidence is currently insufficient to determine the role of this variant in disease. Therefore, it has been classified as a Variant of Uncertain Significance.